The following is an entry in ClinVar:

NM_000170.3(GLDC):c.796T>G (p.Tyr266Asp)

Gene: GLDC (glycine decarboxylase; minus strand). Cytogenetic location: 9p24.1.
Variant type: single nucleotide variant.
Coding change: c.796T>G on transcript NM_000170.3 (MANE Select); coding-DNA position 796, T replaced by G.
Protein change: p.Tyr266Asp; replaces tyrosine 266 with aspartic acid.
Molecular consequence: missense variant.
Genome position (GRCh38, 1-based): chr9:6,605,196, A>C on the plus strand (T>G on the coding strand, the complement: GLDC is on the minus strand). VCF-style: chr9-6605196-A-C. GRCh37 (hg19) VCF-style: chr9-6605196-A-C.
Other names: short protein forms Y266D.
Identifiers: ClinVar variation 1025518 (VCV001025518.9), dbSNP rs1818705322, ClinGen allele CA372896442.
Genomic context (GRCh38, chr9:6,605,196, plus strand): 5'-TCTGATGAGCTCTCTCCACGAGTTCCGTAAAGTCTTCCACCTTCCCCTCCGTGTCTGGGT[A>C]CTGGAACAACACTCCACTGACATCTTTTCCACTGAAGTCCATTTCACAGGGTAACTTCAG-3'
Protein context (NP_000161.2, residues 256-276): GKDVSGVLFQ[Tyr266Asp]PDTEGKVEDF

ClinVar aggregate classification (germline): Likely pathogenic (1 of 4 stars; one submission).

Conditions:
Glycine encephalopathy. Also called: Nonketotic hyperglycinemia; Non-ketotic hyperglycinemia. Identifiers: Orphanet 407, MedGen C0751748, MONDO:0011612, HP:0008288.

Submission:

Labcorp Genetics (formerly Invitae), Labcorp
Classification: Likely pathogenic for Glycine encephalopathy. Last evaluated: 2023-10-22. Review status: criteria provided, single submitter. Criteria: Invitae Variant Classification Sherloc (09022015). Collection method: clinical testing. Allele origin: germline.
Comment: This sequence change replaces tyrosine, which is neutral and polar, with aspartic acid, which is acidic and polar, at codon 266 of the GLDC protein (p.Tyr266Asp). This variant is not present in population databases (gnomAD no frequency). This missense change has been observed in individual(s) with clinical features of glycine encephalopathy (PMID: 27362913). In at least one individual the data is consistent with being in trans (on the opposite chromosome) from a pathogenic variant. ClinVar contains an entry for this variant (Variation ID: 1025518). Advanced modeling of protein sequence and biophysical properties (such as structural, functional, and spatial information, amino acid conservation, physicochemical variation, residue mobility, and thermodynamic stability) performed at Invitae indicates that this missense variant is expected to disrupt GLDC protein function. In summary, the currently available evidence indicates that the variant is pathogenic, but additional data are needed to prove that conclusively. Therefore, this variant has been classified as Likely Pathogenic.

Literature cited by the submitters: PubMed 27362913.